The following is an entry in ClinVar:

NM_000169.3(GLA):c.1094dup (p.Tyr365Ter)

Genes: GLA (galactosidase alpha; minus strand), RPL36A-HNRNPH2 (RPL36A-HNRNPH2 readthrough; plus strand). Cytogenetic location: Xq22.1.
Variant type: Duplication.
Coding change: c.1094dup on transcript NM_000169.3 (MANE Select); coding-DNA position 1094, one base duplicated (A; older notation c.1094dupA).
Protein change: p.Tyr365Ter; replaces tyrosine 365 with a stop codon.
Molecular consequence: nonsense. On other transcripts: non-coding transcript variant (3), intron variant (2).
Genome position (GRCh38, 1-based): chrX:101,398,005, T duplicated on the plus strand (A on the coding strand, the reverse complement: GLA is on the minus strand). VCF-style (leftmost placement, unchanged base first): chrX-101398004-A-AT. GRCh37 (hg19) VCF-style: chrX-100652992-A-AT.
Other names: c.1217dup, p.Tyr406Ter (NM_001406747.1); c.300+2548dup (NM_001199973.2); c.177+6183dup (NM_001199974.2); short protein forms Y365*, Y406*.
Identifiers: ClinVar variation 2006024 (VCV002006024.6), dbSNP rs2520852439, ClinGen allele CA2580100091.

ClinVar aggregate classification (germline): Pathogenic. Review status: criteria provided, multiple submitters, no conflicts (2 of 4 stars). 2 submissions from 2 submitters: Pathogenic (2). Last evaluated 2026-09-08.

Conditions:
Fabry disease. Also called: GLA DEFICIENCY; HEREDITARY DYSTOPIC LIPIDOSIS; Fabry's disease; ALPHA-GALACTOSIDASE A DEFICIENCY; ANDERSON-FABRY DISEASE; CERAMIDE TRIHEXOSIDASE DEFICIENCY. Identifiers: Orphanet 324, MedGen C0002986, MONDO:0010526, OMIM 301500, HP:0001071. Disease mechanism: Fabry disease is due to inactivating mutations in the X-linked GLA gene resulting in deficiency of the enzyme Alpha Galactosidase-A., loss of function.

Submissions (2):

Genomenon, Inc
Classification: Pathogenic for Fabry disease. Last evaluated: 2026-09-08. Review status: criteria provided, single submitter. Criteria: Genomenon Sequence Variant Interpretation Standards - Updated. Collection method: curation. Allele origin: germline. Affected: yes.
Comment: GLA p.Tyr365Ter (c.1094dup) is a nonsense variant that introduces a premature stop codon at amino acid position 365 and is predicted to result in a truncated or absent protein product. This variant has been observed in at least one proband with clinical features consistent with Fabry disease (PMID:8878432;39609713;35419675). The variant was found to segregate with disease in at least one affected family (PMID:8878432). Functional or patient cell studies have been reported (PMID:8878432;39609713). It is absent or not present at a significant frequency in gnomAD. In conclusion, we classify GLA p.Tyr365Ter (c.1094dup) as a pathogenic variant.

Labcorp Genetics (formerly Invitae), Labcorp
Classification: Pathogenic for Fabry disease. Last evaluated: 2025-10-24. Review status: criteria provided, single submitter. Criteria: Invitae Variant Classification Sherloc (09022015). Collection method: clinical testing. Allele origin: germline.
Comment: This sequence change creates a premature translational stop signal (p.Tyr365*) in the GLA gene. While this is not anticipated to result in nonsense mediated decay, it is expected to disrupt the last 65 amino acid(s) of the GLA protein. This variant is not present in population databases (gnomAD no frequency). This premature translational stop signal has been observed in individuals with Fabry disease (PMID: 30988410, 31996269). ClinVar contains an entry for this variant (Variation ID: 2006024). Algorithms developed to predict the effect of sequence changes on RNA splicing suggest that this variant may disrupt the consensus splice site. This variant disrupts a region of the GLA protein in which other variant(s) (p.Pro409Ser) have been determined to be pathogenic (PMID: 11668641, 12428061, 21598360; internal data). This suggests that this is a clinically significant region of the protein, and that variants that disrupt it are likely to be disease-causing. For these reasons, this variant has been classified as Pathogenic.

Literature cited by the submitters: PubMed 8878432 (cited by Genomenon, Inc); PubMed 39609713 (cited by Genomenon, Inc); PubMed 35419675 (cited by Genomenon, Inc); PubMed 30988410 (cited by Labcorp Genetics (formerly Invitae), Labcorp); PubMed 31996269 (cited by Labcorp Genetics (formerly Invitae), Labcorp); PubMed 11668641 (cited by Labcorp Genetics (formerly Invitae), Labcorp); PubMed 12428061 (cited by Labcorp Genetics (formerly Invitae), Labcorp); PubMed 21598360 (cited by Labcorp Genetics (formerly Invitae), Labcorp).